The following is an entry in ClinVar:

NM_001267550.2(TTN):c.104222C>T (p.Thr34741Ile)

Genes: TTN (titin; minus strand), TTN-AS1 (TTN antisense RNA 1; plus strand). Cytogenetic location: 2q31.2.
Variant type: single nucleotide variant.
Coding change: c.104222C>T on transcript NM_001267550.2 (MANE Select); coding-DNA position 104222, C replaced by T.
Protein change: p.Thr34741Ile; replaces threonine 34741 with isoleucine.
Molecular consequence: missense variant.
Genome position (GRCh38, 1-based): chr2:178,532,393, G>A on the plus strand (C>T on the coding strand, the complement: TTN is on the minus strand). VCF-style: chr2-178532393-G-A. GRCh37 (hg19) VCF-style: chr2-179397120-G-A.
Other names: c.96518C>T, p.Thr32173Ile (NM_133378.4); c.99299C>T, p.Thr33100Ile (NM_001256850.1); c.77027C>T, p.Thr25676Ile (NM_003319.4); c.77402C>T, p.Thr25801Ile (NM_133432.3); c.77603C>T, p.Thr25868Ile (NM_133437.4); short protein forms T32173I, T34741I, T25801I, T25676I, T25868I, T33100I.
Identifiers: ClinVar variation 180041 (VCV000180041.15), dbSNP rs727505306, ClinGen allele CA185693.

ClinVar aggregate classification (germline): Uncertain significance. Review status: criteria provided, multiple submitters, no conflicts (2 of 4 stars). 7 submissions from 7 submitters: Uncertain significance (7). Last evaluated 2026-01-12.

Conditions:
Dilated cardiomyopathy 1G (CMD1G). Identifiers: Orphanet 154, MedGen C1858763, MONDO:0011400, OMIM 604145.
Autosomal recessive limb-girdle muscular dystrophy type 2J (LGMDR10). Also called: Limb-girdle muscular dystrophy, type 2J; MUSCULAR DYSTROPHY, LIMB-GIRDLE, AUTOSOMAL RECESSIVE 10. Identifiers: Orphanet 140922, MedGen C1837342, MONDO:0012127, OMIM 608807.
TTN-related disorder. Also called: TTN-related condition; TTN-related disease; TTN-related disorders.
Tibial muscular dystrophy (TMD). Also called: Udd Distal Myopathy – Tibial Muscular Dystrophy; UDD MYOPATHY; Tibial muscular dystrophy, tardive. Identifiers: Orphanet 609, MedGen C1838244, MONDO:0010870, OMIM 600334.
Myopathy, myofibrillar, 9, with early respiratory failure (MFM9). Also called: Hereditary myopathy with early respiratory failure; EDSTROM MYOPATHY; MYOPATHY, PROXIMAL, WITH EARLY RESPIRATORY MUSCLE INVOLVEMENT; Myopathy, distal, with early respiratory failure, autosomal dominant. Identifiers: Orphanet 178464, Orphanet 34521, MedGen C1863599, MONDO:0011362, OMIM 603689.
Hypertrophic cardiomyopathy 9. Also called: Familial hypertrophic cardiomyopathy 9. Identifiers: MedGen C1861065, MONDO:0013412, OMIM 613765.
Early-onset myopathy with fatal cardiomyopathy (CMYO5). Also called: CONGENITAL MYOPATHY 5 WITH CARDIOMYOPATHY; Salih Myopathy. Identifiers: Orphanet 289377, MedGen C2673677, MONDO:0012714, OMIM 611705. Disease mechanism: loss of function.

Allele frequency attached by ClinVar (database versions not stated): gnomAD exomes 0.00001; TOPMed 0.00002; gnomAD 0.00006.
gnomAD v4.1: 18 of 1,613,818 alleles (0.0011%); highest among the groups gnomAD compares: African/African-American, 0.0027%; no homozygotes.

Submissions (7):

Women's Health and Genetics/Laboratory Corporation of America, LabCorp
Classification: Uncertain significance. Last evaluated: 2026-01-12. Review status: criteria provided, single submitter. Criteria: LabCorp Variant Classification Summary - May 2015. Collection method: clinical testing. Allele origin: germline.
Comment: Variant summary: TTN c.96518C>T (p.Thr32173Ile) results in a non-conservative amino acid change in the encoded protein sequence. Algorithms developed to predict the effect of missense changes on protein structure and function are either unavailable or do not agree on the potential impact of this missense change. The variant allele was found at a frequency of 8e-06 in 249204 control chromosomes. The available data on variant occurrences in the general population are insufficient to allow any conclusion about variant significance. To our knowledge, no occurrence of c.96518C>T in individuals affected with TTN-related conditions and no experimental evidence demonstrating its impact on protein function have been reported. ClinVar contains an entry for this variant (Variation ID: 180041). Based on the evidence outlined above, the variant was classified as uncertain significance.

PreventionGenetics, part of Exact Sciences
Classification: Uncertain significance for TTN-related condition. Last evaluated: 2025-09-24. Review status: criteria provided, single submitter. Criteria: ACMG Guidelines, 2015. Collection method: clinical testing. Allele origin: germline.
Comment: The TTN c.104222C>T variant is predicted to result in the amino acid substitution p.Thr34741Ile. To our knowledge, this variant has not been reported in the literature. This variant is reported in 0.0041% of alleles in individuals of African descent in gnomAD. At this time, the clinical significance of this variant is uncertain due to the absence of conclusive functional and genetic evidence.

Fulgent Genetics
Classification: Uncertain significance for Tibial muscular dystrophy; Myopathy, myofibrillar, 9, with early respiratory failure; Dilated cardiomyopathy 1G; Autosomal recessive limb-girdle muscular dystrophy type 2J; Early-onset myopathy with fatal cardiomyopathy; Hypertrophic cardiomyopathy 9. Last evaluated: 2021-09-02. Review status: criteria provided, single submitter. Criteria: ACMG Guidelines, 2015. Collection method: clinical testing. Allele origin: unknown.

Athena Diagnostics
Classification: Uncertain significance. Last evaluated: 2019-04-23. Review status: criteria provided, single submitter. Criteria: Athena Diagnostics Criteria. Collection method: clinical testing. Allele origin: germline.

Labcorp Genetics (formerly Invitae), Labcorp
Classification: Uncertain significance for Dilated cardiomyopathy 1G; Autosomal recessive limb-girdle muscular dystrophy type 2J. Last evaluated: 2017-07-05. Review status: criteria provided, single submitter. Criteria: Invitae Variant Classification Sherloc (09022015). Collection method: clinical testing. Allele origin: germline.

Eurofins Ntd Llc (ga)
Classification: Uncertain significance. Last evaluated: 2016-05-18. Review status: criteria provided, single submitter. Criteria: EGL Classification Definitions 2015. Collection method: clinical testing. Allele origin: germline. Observed: 3 variant alleles, 3 heterozygotes.

Laboratory for Molecular Medicine, Mass General Brigham Personalized Medicine
Classification: Uncertain significance. Last evaluated: 2014-09-29. Review status: criteria provided, single submitter. Criteria: LMM Criteria. Collection method: clinical testing. Allele origin: germline. Observed: 1 variant allele.
Comment: The Thr32173Ile variant in TTN gene has not been previously reported in individu als with cardiomyopathy or in large population studies. Computational prediction tools and conservation analysis do not provide strong evidence for or against a n impact to the protein.In summary, the clinical significance of the Thr32173Ile variant is uncertain.